The following is an entry in ClinVar:

NM_001035.3(RYR2):c.10444G>A (p.Ala3482Thr)

Gene: RYR2 (ryanodine receptor 2; plus strand). Cytogenetic location: 1q43.
Variant type: single nucleotide variant.
Coding change: c.10444G>A on transcript NM_001035.3 (MANE Select); coding-DNA position 10444, G replaced by A.
Protein change: p.Ala3482Thr; replaces alanine 3482 with threonine.
Molecular consequence: missense variant.
Genome position (GRCh38, 1-based): chr1:237,717,318, G>A. VCF-style: chr1-237717318-G-A. GRCh37 (hg19) VCF-style: chr1-237880618-G-A.
Other names: short protein forms A3482T.
Identifiers: ClinVar variation 919119 (VCV000919119.19), dbSNP rs757656504, ClinGen allele CA084323.
Genomic context (GRCh38, chr1:237,717,318, plus strand): 5'-CAGACCTCTCTGATTGTAGCAGCTCTGAAGCGGTTACTGCCCATTGGGTTGAACATCTGT[G>A]CCCCTGGGGACCAGGAGCTCATTGCTCTGGCCAAAAATCGATTTAGCCTGGTAAGTCTCC-3'
Protein context (NP_001026.2, residues 3472-3492): RLLPIGLNIC[Ala3482Thr]PGDQELIALA

ClinVar aggregate classification (germline): Uncertain significance. Review status: criteria provided, multiple submitters, no conflicts (2 of 4 stars). 5 submissions from 5 submitters: Uncertain significance (5). Last evaluated 2025-04-09.

Conditions:
Catecholaminergic polymorphic ventricular tachycardia (CVPT). Also called: Catecholamine-induced polymorphic ventricular tachycardia. Identifiers: Orphanet 3286, MedGen C5574922, MONDO:0017990.
Cardiovascular phenotype. Identifiers: MedGen CN230736.
Cardiomyopathy (CMYO). Also called: Cardiomyopathies. Identifiers: Orphanet 167848, MedGen C0878544, MONDO:0004994, HP:0001638. Inheritance: Various modes of inheritance.
Catecholaminergic polymorphic ventricular tachycardia 1. Also called: VENTRICULAR TACHYCARDIA, CATECHOLAMINERGIC POLYMORPHIC, 1, WITH OR WITHOUT ATRIAL DYSFUNCTION AND/OR DILATED CARDIOMYOPATHY; RYR2-Related Catecholaminergic Polymorphic Ventricular Tachycardia; VENTRICULAR TACHYCARDIA, STRESS-INDUCED POLYMORPHIC 1. Identifiers: Orphanet 3286, MedGen C1631597, MONDO:0011484, OMIM 604772.

Allele frequency attached by ClinVar (database versions not stated): gnomAD 0.00002; TOPMed 0.00002.
gnomAD v4.1: 16 of 1,612,260 alleles (0.00099%); highest among the groups gnomAD compares: Non-Finnish European, 0.001%; no homozygotes.

Submissions (5):

Molecular Diagnostic Laboratory for Inherited Cardiovascular Disease, Montreal Heart Institute
Classification: Uncertain significance for Cardiovascular phenotype. Last evaluated: 2025-04-09. Review status: criteria provided, single submitter. Criteria: ACMG Guidelines, 2015. Collection method: clinical testing. Allele origin: germline. Affected: yes.
Comment: PM2, PP2, BP4

GeneDx
Classification: Uncertain significance. Last evaluated: 2025-03-26. Review status: criteria provided, single submitter. Criteria: GeneDx Variant Classification Process June 2021. Collection method: clinical testing. Allele origin: germline. Affected: yes.
Comment: Not observed at significant frequency in large population cohorts (gnomAD); In silico analysis supports that this missense variant has a deleterious effect on protein structure/function; Not located in one of the three hot-spot regions of the RYR2 gene, where the majority of pathogenic missense variants occur (PMID: 19926015); Has not been previously published as pathogenic or benign to our knowledge; This variant is associated with the following publications: (PMID: 19926015)

Labcorp Genetics (formerly Invitae), Labcorp
Classification: Uncertain significance for Catecholaminergic polymorphic ventricular tachycardia 1. Last evaluated: 2024-07-11. Review status: criteria provided, single submitter. Criteria: Invitae Variant Classification Sherloc (09022015). Collection method: clinical testing. Allele origin: germline.
Comment: This sequence change replaces alanine, which is neutral and non-polar, with threonine, which is neutral and polar, at codon 3482 of the RYR2 protein (p.Ala3482Thr). This variant is present in population databases (rs757656504, gnomAD 0.002%). This variant has not been reported in the literature in individuals affected with RYR2-related conditions. ClinVar contains an entry for this variant (Variation ID: 919119). Advanced modeling of protein sequence and biophysical properties (such as structural, functional, and spatial information, amino acid conservation, physicochemical variation, residue mobility, and thermodynamic stability) performed at Invitae indicates that this missense variant is not expected to disrupt RYR2 protein function with a negative predictive value of 95%. In summary, the available evidence is currently insufficient to determine the role of this variant in disease. Therefore, it has been classified as a Variant of Uncertain Significance.

All of Us Research Program, National Institutes of Health
Classification: Uncertain significance for Catecholaminergic polymorphic ventricular tachycardia. Last evaluated: 2024-05-14. Review status: criteria provided, single submitter. Criteria: ACMG Guidelines, 2015. Collection method: clinical testing. Allele origin: germline. Inheritance: Autosomal dominant inheritance. Observed: 5 variant alleles, 5 heterozygotes.
Comment: This missense variant replaces alanine with threonine at codon 3482 of the RYR2 protein. Computational prediction suggests that this variant may not impact protein structure and function (internally defined REVEL score threshold <= 0.5, PMID: 27666373). To our knowledge, functional studies have not been reported for this variant. This variant has not been reported in individuals affected with cardiovascular disorders in the literature. This variant has been identified in 3/247760 chromosomes in the general population by the Genome Aggregation Database (gnomAD). The available evidence is insufficient to determine the role of this variant in disease conclusively. Therefore, this variant is classified as a Variant of Uncertain Significance.

This study involves interpretation of variants in research participants for the purpose of population health screening. Participant phenotype was not available at the time of variant classification. Additional details can be found in publication PMID: 35346344, PMCID: PMC8962531

Color Diagnostics, LLC DBA Color Health
Classification: Uncertain significance for Cardiomyopathy. Last evaluated: 2024-02-26. Review status: criteria provided, single submitter. Criteria: ACMG Guidelines, 2015. Collection method: clinical testing. Allele origin: germline.
Comment: This missense variant replaces alanine with threonine at codon 3482 of the RYR2 protein. Computational prediction suggests that this variant may not impact protein structure and function. To our knowledge, functional studies have not been reported for this variant. This variant has not been reported in individuals affected with cardiovascular disorders in the literature. This variant has been identified in 3/247760 chromosomes in the general population by the Genome Aggregation Database (gnomAD). The available evidence is insufficient to determine the role of this variant in disease conclusively. Therefore, this variant is classified as a Variant of Uncertain Significance.